The following is an entry in ClinVar:

NM_001349206.2(LPIN1):c.192+197A>C

Gene: LPIN1 (lipin 1; plus strand). Cytogenetic location: 2p25.1.
Variant type: single nucleotide variant.
Coding change: c.192+197A>C on transcript NM_001349206.2 (MANE Select); 197 bases into the intron after coding-DNA position 192, A replaced by C.
Molecular consequence: intron variant.
Genome position (GRCh38, 1-based): chr2:11,765,930, A>C. VCF-style: chr2-11765930-A-C. GRCh37 (hg19) VCF-style: chr2-11906056-A-C.
Other names: c.339+197A>C (NM_001261428.3, NM_001349208.2); c.282+197A>C (NM_001349207.2); c.210+197A>C (NM_001261427.3); c.192+197A>C (NM_001349204.2, NM_001349202.2, NM_001349200.2 and 5 more transcripts).
Identifiers: ClinVar variation 683117 (VCV000683117.2), dbSNP rs78800346, ClinGen allele CA42591275.
Genomic context (GRCh38, chr2:11,765,930, plus strand): 5'-CAGTGACTAATTGAAATTATTCTAGTTAGTATGGCTGTGTAAATTAAAGTGCCGTGGCAC[A>C]CACCACTGTTTATTAAGCTCCTGTATCTGTGGGTCAGGAATTTAGGCAGAGCACAGTGGG-3'

ClinVar aggregate classification (germline): Benign. Review status: criteria provided, multiple submitters, no conflicts (2 of 4 stars). 2 submissions from 2 submitters: Benign (2). Last evaluated 2018-06-14.

Allele frequency attached by ClinVar (database versions not stated): gnomAD 0.02243 and 0.02415; TOPMed 0.02521; 1000 Genomes Project 0.02736; 1000 Genomes Project 30x 0.02936.
gnomAD v4.1: 3,383 of 152,328 alleles (2.2%); highest among the groups gnomAD compares: African/African-American, 7.7%; 139 homozygotes.

Submissions (2):

GeneDx
Classification: Benign. Last evaluated: 2018-06-14. Review status: criteria provided, single submitter. Criteria: GeneDx Variant Classification (06012015). Collection method: clinical testing. Allele origin: germline. Affected: yes.
Comment: This variant is considered likely benign or benign based on one or more of the following criteria: it is a conservative change, it occurs at a poorly conserved position in the protein, it is predicted to be benign by multiple in silico algorithms, and/or has population frequency not consistent with disease.

Breakthrough Genomics
Classification: Benign. Review status: criteria provided, single submitter. Criteria: ACMG Guidelines, 2015. Collection method: not provided. Allele origin: germline. Inheritance: Autosomal recessive inheritance. Affected: yes.